The following is an entry in ClinVar:

ClinVar aggregate classification (germline): Uncertain significance (1 of 4 stars; one submission).

Conditions:
Hereditary cancer-predisposing syndrome. Also called: Tumor predisposition; Neoplastic Syndromes, Hereditary; Hereditary neoplastic syndrome; Hereditary Cancer Syndrome. Identifiers: Orphanet 140162, MedGen C0027672, MeSH D009386, MONDO:0015356.

Submission:

Ambry Genetics
Classification: Uncertain significance for Hereditary cancer-predisposing syndrome. Last evaluated: 2024-09-19. Review status: criteria provided, single submitter. Criteria: Ambry Variant Classification Scheme 2023. Collection method: clinical testing. Allele origin: germline.
Comment: The p.G772E variant (also known as c.2315G>A), located in coding exon 9 of the AXIN2 gene, results from a G to A substitution at nucleotide position 2315. The glycine at codon 772 is replaced by glutamic acid, an amino acid with similar properties. This amino acid position is conserved. In addition, the in silico prediction for this alteration is inconclusive. Based on the available evidence, the clinical significance of this variant remains unclear.

NM_004655.4(AXIN2):c.2315G>A (p.Gly772Glu)

Gene: AXIN2 (axin 2; minus strand). Cytogenetic location: 17q24.1.
Variant type: single nucleotide variant.
Coding change: c.2315G>A on transcript NM_004655.4 (MANE Select); coding-DNA position 2315, G replaced by A.
Protein change: p.Gly772Glu; replaces glycine 772 with glutamic acid.
Molecular consequence: missense variant.
Genome position (GRCh38, 1-based): chr17:65,534,002, C>T on the plus strand (G>A on the coding strand, the complement: AXIN2 is on the minus strand). VCF-style: chr17-65534002-C-T. GRCh37 (hg19) VCF-style: chr17-63530120-C-T.
Other names: c.2120G>A, p.Gly707Glu (NM_001363813.1); short protein forms G772E, G707E.
Identifiers: ClinVar variation 3470424 (VCV003470424.1).